The following is an entry in ClinVar:

ClinVar aggregate classification (germline): Benign/Likely benign. Review status: criteria provided, multiple submitters, no conflicts (2 of 4 stars). 4 submissions from 4 submitters: Benign (2); Likely benign (2). Last evaluated 2024-06-01.

Allele frequency attached by ClinVar (database versions not stated): 1000 Genomes Project 0.00319; 1000 Genomes Project 30x 0.00328; gnomAD exomes 0.00456 and 0.00738; gnomAD 0.00462 and 0.00469; ExAC 0.00502; TOPMed 0.00504; ESP Exome Variant Server 0.00562.
gnomAD v4.1: 11,190 of 1,572,188 alleles (0.71%); highest among the groups gnomAD compares: Middle Eastern, 1.3%; 55 homozygotes.

Submissions (4):

CeGaT Center for Human Genetics Tuebingen
Classification: Likely benign. Last evaluated: 2024-06-01. Review status: criteria provided, single submitter. Criteria: CeGaT Center For Human Genetics Tuebingen Variant Classification Criteria Version 2. Collection method: clinical testing. Allele origin: germline. Affected: yes. Observed: 15 variant alleles.
Comment: DGAT2: BP4, BP7, BS2

Mayo Clinic Laboratories, Mayo Clinic
Classification: Benign. Last evaluated: 2023-02-10. Review status: criteria provided, single submitter. Criteria: ACMG Guidelines, 2015. Collection method: clinical testing. Allele origin: germline. Observed: 14 variant alleles.
Comment: BS1, BS2, BP4, BP7

Labcorp Genetics (formerly Invitae), Labcorp
Classification: Benign. Last evaluated: 2018-07-26. Review status: criteria provided, single submitter. Criteria: Invitae Variant Classification Sherloc (09022015). Collection method: clinical testing. Allele origin: germline.

Breakthrough Genomics
Classification: Likely benign. Review status: criteria provided, single submitter. Criteria: ACMG Guidelines, 2015. Collection method: not provided. Allele origin: germline. Inheritance: Unknown mechanism. Affected: yes.

NM_032564.5(DGAT2):c.690T>C (p.Ser230=)

Gene: DGAT2 (diacylglycerol O-acyltransferase 2; plus strand). Cytogenetic location: 11q13.5.
Variant type: single nucleotide variant.
Coding change: c.690T>C on transcript NM_032564.5 (MANE Select); coding-DNA position 690, T replaced by C.
Protein change: p.Ser230=; no amino-acid change (serine 230 retained).
Molecular consequence: synonymous variant.
Genome position (GRCh38, 1-based): chr11:75,797,213, T>C. VCF-style: chr11-75797213-T-C. GRCh37 (hg19) VCF-style: chr11-75508258-T-C.
Other names: p.Ser230=; c.561T>C, p.Ser187= (NM_001253891.2).
Identifiers: ClinVar variation 708403 (VCV000708403.39), dbSNP rs143850439, ClinGen allele CA6192091.